The following is an entry in ClinVar:

NM_001673.5(ASNS):c.581G>A (p.Gly194Asp)

Genes: ASNS (asparagine synthetase (glutamine-hydrolyzing); minus strand), CZ1P-ASNS (CZ1P-ASNS readthrough; minus strand). Cytogenetic location: 7q21.3.
Variant type: single nucleotide variant.
Coding change: c.581G>A on transcript NM_001673.5 (MANE Select); coding-DNA position 581, G replaced by A.
Protein change: p.Gly194Asp; replaces glycine 194 with aspartic acid.
Molecular consequence: missense variant. On other transcripts: non-coding transcript variant (1).
Genome position (GRCh38, 1-based): chr7:97,859,305, C>T on the plus strand (G>A on the coding strand, the complement: ASNS is on the minus strand). VCF-style: chr7-97859305-C-T. GRCh37 (hg19) VCF-style: chr7-97488617-C-T.
Other names: c.518G>A, p.Gly173Asp (NM_001178075.2); c.332G>A, p.Gly111Asp (NM_001178076.2, NM_001178077.1); c.581G>A, p.Gly194Asp (NM_001352496.2, NM_133436.3, NM_183356.4); short protein forms G111D, G194D, G173D.
Identifiers: ClinVar variation 1443665 (VCV001443665.5), dbSNP rs558777963, ClinGen allele CA163031069.

ClinVar aggregate classification (germline): Uncertain significance (1 of 4 stars; one submission).

Allele frequency attached by ClinVar (database versions not stated): gnomAD exomes 0.00001.

Submission:

Labcorp Genetics (formerly Invitae), Labcorp
Classification: Uncertain significance. Last evaluated: 2021-08-25. Review status: criteria provided, single submitter. Criteria: Invitae Variant Classification Sherloc (09022015). Collection method: clinical testing. Allele origin: germline.
Comment: This sequence change replaces glycine with aspartic acid at codon 194 of the ASNS protein (p.Gly194Asp). The glycine residue is highly conserved and there is a moderate physicochemical difference between glycine and aspartic acid. This variant is not present in population databases (ExAC no frequency). This variant has not been reported in the literature in individuals affected with ASNS-related conditions. Advanced modeling of protein sequence and biophysical properties (such as structural, functional, and spatial information, amino acid conservation, physicochemical variation, residue mobility, and thermodynamic stability) performed at Invitae indicates that this missense variant is expected to disrupt ASNS protein function. In summary, the available evidence is currently insufficient to determine the role of this variant in disease. Therefore, it has been classified as a Variant of Uncertain Significance.